The following is an entry in ClinVar:

ClinVar aggregate classification (germline): Conflicting classifications of pathogenicity. Review status: criteria provided, conflicting classifications (1 of 4 stars). 3 submissions from 3 submitters: Uncertain significance (1); Likely benign (2). Last evaluated 2026-01-25.

Conditions:
Cardiovascular phenotype. Identifiers: MedGen CN230736.
Long QT syndrome (LQTS). Identifiers: MedGen C0023976, MeSH D008133, MONDO:0002442. Disease mechanism: loss of function. Inheritance: Various modes of inheritance.

Allele frequency attached by ClinVar (database versions not stated): gnomAD exomes 0.00001 and 0.00002; TOPMed 0.00008; gnomAD 0.00009.

Submissions (3):

Labcorp Genetics (formerly Invitae), Labcorp
Classification: Likely benign for Long QT syndrome. Last evaluated: 2026-01-25. Review status: criteria provided, single submitter. Criteria: Invitae Variant Classification Sherloc (09022015). Collection method: clinical testing. Allele origin: germline.

GeneDx
Classification: Uncertain significance. Last evaluated: 2025-08-14. Review status: criteria provided, single submitter. Criteria: GeneDx Variant Classification Process June 2021. Collection method: clinical testing. Allele origin: germline. Affected: yes.
Comment: Not observed at significant frequency in large population cohorts (gnomAD); In silico analysis suggests that this variant does not alter splicing; Has not been previously published as pathogenic or benign to our knowledge

Ambry Genetics
Classification: Likely benign for Cardiovascular phenotype. Last evaluated: 2021-09-15. Review status: criteria provided, single submitter. Criteria: Ambry Variant Classification Scheme 2023. Collection method: clinical testing. Allele origin: germline.

NM_000719.7(CACNA1C):c.3988C>T (p.Leu1330=)

Gene: CACNA1C (calcium voltage-gated channel subunit alpha1 C; plus strand). Cytogenetic location: 12p13.33.
Variant type: single nucleotide variant.
Coding change: c.3988C>T on transcript NM_000719.7 (MANE Select); coding-DNA position 3988, C replaced by T.
Protein change: p.Leu1330=; no amino-acid change (leucine 1330 retained).
Molecular consequence: synonymous variant.
Genome position (GRCh38, 1-based): chr12:2,651,682, C>T. VCF-style: chr12-2651682-C-T. GRCh37 (hg19) VCF-style: chr12-2760848-C-T.
Other names: c.4132C>T, p.Leu1378= (NM_001129827.2, NM_199460.4); c.4054C>T, p.Leu1352= (NM_001129829.2); c.3988C>T, p.Leu1330= (NM_001129830.3, NM_001129833.2, NM_001129834.2 and 7 more transcripts); c.4072C>T, p.Leu1358= (NM_001129831.2); c.4048C>T, p.Leu1350= (NM_001129832.2); c.4039C>T, p.Leu1347= (NM_001129836.2); c.3955C>T, p.Leu1319= (NM_001129837.2, NM_001129838.2, NM_001129846.2 and 1 more transcripts); c.3949C>T, p.Leu1317= (NM_001129839.2); and 1 more.
Identifiers: ClinVar variation 456969 (VCV000456969.13), dbSNP rs1455874684, ClinGen allele CA477879971.